The following is an entry in ClinVar:

NM_014974.3(DIP2C):c.2399G>A (p.Ser800Asn)

Genes: DIP2C (disco interacting protein 2 homolog C; minus strand), LOC126860806 (MED14-independent group 3 enhancer GRCh37_chr10:409736-410935; plus strand). Cytogenetic location: 10p15.3.
Variant type: single nucleotide variant.
Coding change: c.2399G>A on transcript NM_014974.3 (MANE Select); coding-DNA position 2399, G replaced by A.
Protein change: p.Ser800Asn; replaces serine 800 with asparagine.
Molecular consequence: missense variant.
Genome position (GRCh38, 1-based): chr10:364,452, C>T on the plus strand (G>A on the coding strand, the complement: DIP2C is on the minus strand). VCF-style: chr10-364452-C-T. GRCh37 (hg19) VCF-style: chr10-410392-C-T.
Other names: short protein forms S800N.
Identifiers: ClinVar variation 3764128 (VCV003764128.1).
Genomic context (GRCh38, chr10:364,452, plus strand): 5'-TTCATGGGTTCTACGGCCAGCGCAGTGGCCACGATGTCGTCGGCGTTGTGCCTGCGCCCG[C>T]TGACCACCATGAGGCCATCCATCTTGCCCACCACGAAGACGAGGCCTCCGGGACCCACGA-3'
Protein context (NP_055789.1, residues 790-810): VGKMDGLMVV[Ser800Asn]GRRHNADDIV

ClinVar aggregate classification (germline): Uncertain significance (1 of 4 stars; one submission).

gnomAD v4.1: 3 of 1,614,160 alleles (0.00019%); highest among the groups gnomAD compares: Admixed American, 0.0033%; no homozygotes.

Submission:

GeneDx
Classification: Uncertain significance. Last evaluated: 2024-08-22. Review status: criteria provided, single submitter. Criteria: GeneDx Variant Classification Process June 2021. Collection method: clinical testing. Allele origin: germline. Affected: yes.
Comment: Not observed at significant frequency in large population cohorts (gnomAD); In silico analysis indicates that this missense variant does not alter protein structure/function; Has not been previously published as pathogenic or benign to our knowledge